The following is an entry in ClinVar:

ClinVar aggregate classification (germline): Uncertain significance (1 of 4 stars; one submission).

Conditions:
Metachromatic leukodystrophy (MLD). Also called: METACHROMATIC LEUKOENCEPHALOPATHY; SULFATIDE LIPIDOSIS; ARSA DEFICIENCY; CEREBROSIDE SULFATASE DEFICIENCY; Cerebral sclerosis diffuse metachromatic form; Arylsulfatase A Deficiency. Identifiers: Orphanet 512, MedGen C0023522, MONDO:0018868, OMIM 250100.

Submission:

Labcorp Genetics (formerly Invitae), Labcorp
Classification: Uncertain significance for Metachromatic leukodystrophy. Last evaluated: 2021-12-17. Review status: criteria provided, single submitter. Criteria: Invitae Variant Classification Sherloc (09022015). Collection method: clinical testing. Allele origin: germline.
Comment: In summary, the available evidence is currently insufficient to determine the role of this variant in disease. Therefore, it has been classified as a Variant of Uncertain Significance. This sequence change replaces glutamic acid, which is acidic and polar, with glutamine, which is neutral and polar, at codon 275 of the ARSA protein (p.Glu275Gln). This variant is not present in population databases (gnomAD no frequency). This variant has not been reported in the literature in individuals affected with ARSA-related conditions. Algorithms developed to predict the effect of missense changes on protein structure and function (SIFT, PolyPhen-2, Align-GVGD) all suggest that this variant is likely to be tolerated.

NM_000487.6(ARSA):c.823G>C (p.Glu275Gln)

Gene: ARSA (arylsulfatase A; minus strand). Cytogenetic location: 22q13.33.
Variant type: single nucleotide variant.
Coding change: c.823G>C on transcript NM_000487.6 (MANE Select); coding-DNA position 823, G replaced by C.
Protein change: p.Glu275Gln; replaces glutamic acid 275 with glutamine.
Molecular consequence: missense variant.
Genome position (GRCh38, 1-based): chr22:50,626,622, C>G on the plus strand (G>C on the coding strand, the complement: ARSA is on the minus strand). VCF-style: chr22-50626622-C-G. GRCh37 (hg19) VCF-style: chr22-51065050-C-G.
Other names: c.823G>C, p.Glu275Gln (NM_001085425.3, NM_001085426.3, NM_001085427.3); c.565G>C, p.Glu189Gln (NM_001085428.3, NM_001362782.2); short protein forms E275Q, E189Q.
Identifiers: ClinVar variation 2045685 (VCV002045685.4), dbSNP rs367602734, ClinGen allele CA412175943.